The following is an entry in ClinVar:

ClinVar aggregate classification (germline): Uncertain significance (1 of 4 stars; one submission).

Submission:

Labcorp Genetics (formerly Invitae), Labcorp
Classification: Uncertain significance. Last evaluated: 2025-06-19. Review status: criteria provided, single submitter. Criteria: Invitae Variant Classification Sherloc (09022015). Collection method: clinical testing. Allele origin: germline.
Comment: This sequence change replaces serine, which is neutral and polar, with threonine, which is neutral and polar, at codon 396 of the CSF2RB protein (p.Ser396Thr). This variant is not present in population databases (gnomAD no frequency). This variant has not been reported in the literature in individuals affected with CSF2RB-related conditions. Invitae Evidence Modeling of protein sequence and biophysical properties (such as structural, functional, and spatial information, amino acid conservation, physicochemical variation, residue mobility, and thermodynamic stability) indicates that this missense variant is not expected to disrupt CSF2RB protein function with a negative predictive value of 80%. In summary, the available evidence is currently insufficient to determine the role of this variant in disease. Therefore, it has been classified as a Variant of Uncertain Significance.

NM_000395.3(CSF2RB):c.1187G>C (p.Ser396Thr)

Gene: CSF2RB (colony stimulating factor 2 receptor subunit beta; plus strand). Cytogenetic location: 22q12.3.
Variant type: single nucleotide variant.
Coding change: c.1187G>C on transcript NM_000395.3 (MANE Select); coding-DNA position 1187, G replaced by C.
Protein change: p.Ser396Thr; replaces serine 396 with threonine.
Molecular consequence: missense variant.
Genome position (GRCh38, 1-based): chr22:36,933,866, G>C. VCF-style: chr22-36933866-G-C. GRCh37 (hg19) VCF-style: chr22-37329908-G-C.
Other names: c.1205G>C, p.Ser402Thr (NM_001410827.1); short protein forms S396T, S402T.
Identifiers: ClinVar variation 4746852 (VCV004746852.1).